The following is an entry in ClinVar:

NM_001349206.2(LPIN1):c.192+17C>T

Gene: LPIN1 (lipin 1; plus strand). Cytogenetic location: 2p25.1.
Variant type: single nucleotide variant.
Coding change: c.192+17C>T on transcript NM_001349206.2 (MANE Select); 17 bases into the intron after coding-DNA position 192, C replaced by T.
Molecular consequence: intron variant.
Genome position (GRCh38, 1-based): chr2:11,765,750, C>T. VCF-style: chr2-11765750-C-T. GRCh37 (hg19) VCF-style: chr2-11905876-C-T.
Other names: p.?; c.339+17C>T (NM_001261428.3, NM_001349208.2); c.282+17C>T (NM_001349207.2); c.210+17C>T (NM_001261427.3); c.192+17C>T (NM_001349204.2, NM_001349202.2, NM_001349200.2 and 5 more transcripts).
Identifiers: ClinVar variation 96495 (VCV000096495.17), dbSNP rs10209969, ClinGen allele CA149554.
Genomic context (GRCh38, chr2:11,765,750, plus strand): 5'-TCCGCTTTGGGAAGATGGGGGTCCTGCGCTCCCGAGAGAAAGTGGTGAGCTCTCAGGGCA[C>T]GGGGACCTGGCACCGGCTCTCCTTAGAGAATGCCCTTGTACTCTGGTGATGCCACCTGTC-3'

ClinVar aggregate classification (germline): Benign. Review status: criteria provided, multiple submitters, no conflicts (2 of 4 stars). 7 submissions from 7 submitters: Benign (7). Last evaluated 2026-02-04.

Conditions:
Myoglobinuria, acute recurrent, autosomal recessive. Also called: Myoglobinuria, recurrent, autosomal recessive; MYOGLOBINURIA, FAMILIAL PAROXYSMAL PARALYTIC; RHABDOMYOLYSIS, ACUTE RECURRENT. Identifiers: Orphanet 99845, MedGen C1849386, MONDO:0009992, OMIM 268200.

Allele frequency attached by ClinVar (database versions not stated): gnomAD 0.26314 and 0.26135; ESP Exome Variant Server 0.26465; gnomAD exomes 0.29514 and 0.33042; ExAC 0.29787; 1000 Genomes Project 0.20467; TOPMed 0.24698; 1000 Genomes Project 30x 0.20315.
gnomAD v4.1: 518,183 of 1,602,574 alleles (32%); highest among the groups gnomAD compares: Middle Eastern, 39%; 86,792 homozygotes.

Submissions (7):

Labcorp Genetics (formerly Invitae), Labcorp
Classification: Benign. Last evaluated: 2026-02-04. Review status: criteria provided, single submitter. Criteria: Invitae Variant Classification Sherloc (09022015). Collection method: clinical testing. Allele origin: germline.

Mayo Clinic Laboratories, Mayo Clinic
Classification: Benign. Last evaluated: 2022-03-10. Review status: criteria provided, single submitter. Criteria: ACMG Guidelines, 2015. Collection method: clinical testing. Allele origin: germline. Observed: 37 variant alleles.

Genome-Nilou Lab
Classification: Benign for Myoglobinuria, acute recurrent, autosomal recessive. Last evaluated: 2021-08-19. Review status: criteria provided, single submitter. Criteria: ACMG Guidelines, 2015. Collection method: clinical testing. Allele origin: germline. Affected: no.

GeneDx
Classification: Benign. Last evaluated: 2016-10-31. Review status: criteria provided, single submitter. Criteria: GeneDx Variant Classification (06012015). Collection method: clinical testing. Allele origin: germline. Affected: yes.
Comment: This variant is considered likely benign or benign based on one or more of the following criteria: it is a conservative change, it occurs at a poorly conserved position in the protein, it is predicted to be benign by multiple in silico algorithms, and/or has population frequency not consistent with disease.

Eurofins Ntd Llc (ga)
Classification: Benign. Last evaluated: 2013-05-08. Review status: criteria provided, single submitter. Criteria: EGL Classification Definitions 2015. Collection method: clinical testing. Allele origin: germline. Observed: 1 variant allele, 1 homozygote.

Breakthrough Genomics
Classification: Benign. Review status: criteria provided, single submitter. Criteria: ACMG Guidelines, 2015. Collection method: not provided. Allele origin: germline. Inheritance: Autosomal recessive inheritance. Affected: yes.

PreventionGenetics, part of Exact Sciences
Classification: Benign. Review status: criteria provided, single submitter. Criteria: ACMG Guidelines, 2015. Collection method: clinical testing. Allele origin: germline.